The following is an entry in ClinVar:

NM_015466.4(PTPN23):c.2129+4T>C

Gene: PTPN23 (protein tyrosine phosphatase non-receptor type 23; plus strand). Cytogenetic location: 3p21.31.
Variant type: single nucleotide variant.
Coding change: c.2129+4T>C on transcript NM_015466.4 (MANE Select); 4 bases into the intron after coding-DNA position 2129, T replaced by C.
Molecular consequence: intron variant.
Genome position (GRCh38, 1-based): chr3:47,409,838, T>C. VCF-style: chr3-47409838-T-C. GRCh37 (hg19) VCF-style: chr3-47451328-T-C.
Other names: c.1751+4T>C (NM_001304482.2).
Identifiers: ClinVar variation 2125670 (VCV002125670.4), dbSNP rs2546248585, ClinGen allele CA2580069894.
Genomic context (GRCh38, chr3:47,409,838, plus strand): 5'-GCGCACGCAGTCCACCTGCCAGGCCCGCGAGGCTGCCCGCCAGCAGCTCCTGGACAGGTT[T>C]GTGTGGCCCTGGGGCTGTGGTGCGGCTCGGGTCCAGACAGGCTGGGGTGATGGGAGCCTG-3'

ClinVar aggregate classification (germline): Uncertain significance (1 of 4 stars; one submission).

Submission:

Labcorp Genetics (formerly Invitae), Labcorp
Classification: Uncertain significance. Last evaluated: 2022-04-12. Review status: criteria provided, single submitter. Criteria: Invitae Variant Classification Sherloc (09022015). Collection method: clinical testing. Allele origin: germline.
Comment: In summary, the available evidence is currently insufficient to determine the role of this variant in disease. Therefore, it has been classified as a Variant of Uncertain Significance. Variants that disrupt the consensus splice site are a relatively common cause of aberrant splicing (PMID: 17576681, 9536098). Algorithms developed to predict the effect of sequence changes on RNA splicing suggest that this variant is not likely to affect RNA splicing. This variant has not been reported in the literature in individuals affected with PTPN23-related conditions. This variant is not present in population databases (gnomAD no frequency). This sequence change falls in intron 19 of the PTPN23 gene. It does not directly change the encoded amino acid sequence of the PTPN23 protein. It affects a nucleotide within the consensus splice site.

Literature cited by the submitters: PubMed 17576681; PubMed 9536098.